The following is an entry in ClinVar:

ClinVar aggregate classification (germline): Pathogenic/Likely pathogenic. Review status: criteria provided, multiple submitters, no conflicts (2 of 4 stars). 3 submissions from 3 submitters: Pathogenic (2); Likely pathogenic (1). Last evaluated 2025-12-12.

Conditions:
ABCA4-related disorder. Also called: ABCA4-related disorders; ABCA4-related condition. Identifiers: MedGen CN239167.
Stargardt disease (FFM). Also called: Fundus flavimaculatus; Stargardt's disease. Identifiers: Orphanet 827, MedGen C0271093, MONDO:0019353.

Allele frequency attached by ClinVar (database versions not stated): gnomAD 0.00001; ExAC 0.00002.
gnomAD v4.1: 2 of 1,614,214 alleles (0.00012%); highest among the groups gnomAD compares: East Asian, 0.0045%; no homozygotes.

Submissions (3):

Women's Health and Genetics/Laboratory Corporation of America, LabCorp
Classification: Likely pathogenic for Stargardt disease. Last evaluated: 2025-12-12. Review status: criteria provided, single submitter. Criteria: LabCorp Variant Classification Summary - May 2015. Collection method: clinical testing. Allele origin: germline.
Comment: Variant summary: ABCA4 c.3655G>C (p.Ala1219Pro) results in a non-conservative amino acid change in the encoded protein sequence. Algorithms developed to predict the effect of missense changes on protein structure and function all suggest that this variant is likely to be disruptive. The variant allele was found at a frequency of 8e-06 in 251184 control chromosomes. c.3655G>C has been observed in individuals affected with Stargardt Disease/ABCA4-associated retinopathy (e.g. Zernant_2011, Wang_2022, Cornelis_2022). These data indicate that the variant is likely associated with disease. To our knowledge, no experimental evidence demonstrating an impact on protein function has been reported. The following publications have been ascertained in the context of this evaluation (PMID: 35120629, 35608843, 21911583). ClinVar contains an entry for this variant (Variation ID: 2733927). Based on the evidence outlined above, the variant was classified as likely pathogenic.

Labcorp Genetics (formerly Invitae), Labcorp
Classification: Pathogenic. Last evaluated: 2023-06-09. Review status: criteria provided, single submitter. Criteria: Invitae Variant Classification Sherloc (09022015). Collection method: clinical testing. Allele origin: germline.
Comment: Advanced modeling of protein sequence and biophysical properties (such as structural, functional, and spatial information, amino acid conservation, physicochemical variation, residue mobility, and thermodynamic stability) performed at Invitae indicates that this missense variant is expected to disrupt ABCA4 protein function. For these reasons, this variant has been classified as Pathogenic. This missense change has been observed in individual(s) with ABCA4-related conditions (PMID: 21911583). In at least one individual the data is consistent with being in trans (on the opposite chromosome) from a pathogenic variant. It has also been observed to segregate with disease in related individuals. This variant is present in population databases (rs766740575, gnomAD 0.01%). This sequence change replaces alanine, which is neutral and non-polar, with proline, which is neutral and non-polar, at codon 1219 of the ABCA4 protein (p.Ala1219Pro).

Blueprint Genetics
Classification: Pathogenic for ABCA4-related disorders. Last evaluated: 2022-07-15. Review status: criteria provided, single submitter. Criteria: ACMG Guidelines, 2015. Collection method: clinical testing. Allele origin: germline. Affected: yes. Observed: 3 variant alleles.

Literature cited by the submitters: PubMed 35120629 (cited by Women's Health and Genetics/Laboratory Corporation of America, LabCorp); PubMed 21911583 (cited by Women's Health and Genetics/Laboratory Corporation of America, LabCorp and Labcorp Genetics (formerly Invitae), Labcorp); PubMed 35608843 (cited by Women's Health and Genetics/Laboratory Corporation of America, LabCorp).

NM_000350.3(ABCA4):c.3655G>C (p.Ala1219Pro)

Genes: ABCA4 (ATP binding cassette subfamily A member 4; minus strand), LOC126805794 (BRD4-independent group 4 enhancer GRCh37_chr1:94502188-94503387; plus strand). Cytogenetic location: 1p22.1.
Variant type: single nucleotide variant.
Coding change: c.3655G>C on transcript NM_000350.3 (MANE Select); coding-DNA position 3655, G replaced by C.
Protein change: p.Ala1219Pro; replaces alanine 1219 with proline.
Molecular consequence: missense variant.
Genome position (GRCh38, 1-based): chr1:94,037,303, C>G on the plus strand (G>C on the coding strand, the complement: ABCA4 is on the minus strand). VCF-style: chr1-94037303-C-G. GRCh37 (hg19) VCF-style: chr1-94502859-C-G.
Other names: c.3433G>C, p.Ala1145Pro (NM_001425324.1); short protein forms A1145P, A1219P.
Identifiers: ClinVar variation 2733927 (VCV002733927.5), dbSNP rs766740575, ClinGen allele CA957858.